The following is an entry in ClinVar:

ClinVar aggregate classification (germline): Pathogenic. Review status: criteria provided, single submitter (1 of 4 stars). 2 submissions from 2 submitters: Pathogenic (1). 1 of the submissions does not count toward it. Last evaluated 2023-01-19.

Conditions:
Junctional epidermolysis bullosa gravis of Herlitz. Also called: Epidermolysis Bullosa Letalis; JEB-HERLITZ TYPE; EPIDERMOLYSIS BULLOSA JUNCTIONALIS, HERLITZ TYPE; EPIDERMOLYSIS BULLOSA, JUNCTIONAL, HERLITZ-PEARSON TYPE; Herlitz-type junctional epidermolysis bullosa; EPIDERMOLYSIS BULLOSA, JUNCTIONAL 1B, SEVERE. Identifiers: Orphanet 79404, MedGen C0079683, MONDO:0009182, OMIM 226700.

Allele frequency attached by ClinVar (database versions not stated): gnomAD exomes below 0.00001.
gnomAD v4.1: 2 of 1,612,464 alleles (0.00012%); highest among the groups gnomAD compares: South Asian, 0.0011%; no homozygotes.

Submissions (2):

Labcorp Genetics (formerly Invitae), Labcorp
Classification: Pathogenic. Last evaluated: 2023-01-19. Review status: criteria provided, single submitter. Criteria: Invitae Variant Classification Sherloc (09022015). Collection method: clinical testing. Allele origin: germline.
Comment: For these reasons, this variant has been classified as Pathogenic. ClinVar contains an entry for this variant (Variation ID: 557141). This variant has not been reported in the literature in individuals affected with LAMA3-related conditions. This variant is not present in population databases (gnomAD no frequency). This sequence change creates a premature translational stop signal (p.Gln888*) in the LAMA3 gene. It is expected to result in an absent or disrupted protein product. Loss-of-function variants in LAMA3 are known to be pathogenic (PMID: 10366601, 11810295, 12915477, 16473856, 17362460, 22434185, 23869449, 27827380, 28087116).

Counsyl
Classification: Likely pathogenic for Junctional epidermolysis bullosa gravis of Herlitz. Last evaluated: 2018-03-05. Review status: no assertion criteria provided. Collection method: clinical testing. Allele origin: unknown. Not counted in ClinVar's aggregate classification.

Literature cited by the submitters: PubMed 10366601 (cited by Labcorp Genetics (formerly Invitae), Labcorp); PubMed 11810295 (cited by Labcorp Genetics (formerly Invitae), Labcorp); PubMed 12915477 (cited by Labcorp Genetics (formerly Invitae), Labcorp); PubMed 16473856 (cited by Labcorp Genetics (formerly Invitae), Labcorp); PubMed 17362460 (cited by Labcorp Genetics (formerly Invitae), Labcorp); PubMed 22434185 (cited by Labcorp Genetics (formerly Invitae), Labcorp); PubMed 23869449 (cited by Labcorp Genetics (formerly Invitae), Labcorp); PubMed 27827380 (cited by Labcorp Genetics (formerly Invitae), Labcorp); PubMed 28087116 (cited by Labcorp Genetics (formerly Invitae), Labcorp).

NM_198129.4(LAMA3):c.7489C>T (p.Gln2497Ter)

Gene: LAMA3 (laminin subunit alpha 3; plus strand). Cytogenetic location: 18q11.2.
Variant type: single nucleotide variant.
Coding change: c.7489C>T on transcript NM_198129.4 (MANE Select); coding-DNA position 7489, C replaced by T.
Protein change: p.Gln2497Ter; replaces glutamine 2497 with a stop codon.
Molecular consequence: nonsense.
Genome position (GRCh38, 1-based): chr18:23,914,705, C>T. VCF-style: chr18-23914705-C-T. GRCh37 (hg19) VCF-style: chr18-21494669-C-T.
Other names: c.2662C>T, p.Gln888Ter (NM_000227.6); c.7321C>T, p.Gln2441Ter (NM_001127717.4); c.2494C>T, p.Gln832Ter (NM_001127718.4); short protein forms Q2497*, Q888*, Q832*, Q2441*.
Identifiers: ClinVar variation 557141 (VCV000557141.5), dbSNP rs1555737779, ClinGen allele CA402056822.